The following is an entry in ClinVar:

NM_001370259.2(MEN1):c.875C>T (p.Thr292Ile)

Gene: MEN1 (menin 1; minus strand). Cytogenetic location: 11q13.1.
Variant type: single nucleotide variant.
Coding change: c.875C>T on transcript NM_001370259.2 (MANE Select); coding-DNA position 875, C replaced by T.
Protein change: p.Thr292Ile; replaces threonine 292 with isoleucine.
Molecular consequence: missense variant.
Genome position (GRCh38, 1-based): chr11:64,807,048, G>A on the plus strand (C>T on the coding strand, the complement: MEN1 is on the minus strand). VCF-style: chr11-64807048-G-A. GRCh37 (hg19) VCF-style: chr11-64574520-G-A.
Other names: c.890C>T, p.Thr297Ile (NM_000244.4, NM_130800.3, NM_130801.3 and 3 more transcripts); c.875C>T, p.Thr292Ile (NM_001370251.2, NM_001370260.2, NM_001370261.2 and 1 more transcripts); c.770C>T, p.Thr257Ile (NM_001370262.2, NM_001370263.2); short protein forms T297I, T257I, T292I.
Identifiers: ClinVar variation 853328 (VCV000853328.13), dbSNP rs780646691, ClinGen allele CA061743.
Genomic context (GRCh38, chr11:64,807,048, plus strand): 5'-GCACCCTCCTTAGATGCCCCCACCTTGTGGTAGAGGGTGAGTGGGTCTGGCCGGCCAGGG[G>A]TGGGCTCCAGCTCCTCTAGATCTGCCAGGTTCCCTAAGGCCATGGGGTACCTAGGAAAGG-3'
Protein context (NP_001357188.2, residues 282-302): NLADLEELEP[Thr292Ile]PGRPDPLTLY

ClinVar aggregate classification (germline): Uncertain significance. Review status: criteria provided, multiple submitters, no conflicts (2 of 4 stars). 2 submissions from 2 submitters: Uncertain significance (2). Last evaluated 2025-08-21.

Conditions:
Hereditary cancer-predisposing syndrome. Also called: Neoplastic Syndromes, Hereditary; Hereditary Cancer Syndrome; Hereditary neoplastic syndrome; Tumor predisposition. Identifiers: Orphanet 140162, MedGen C0027672, MeSH D009386, MONDO:0015356.
Multiple endocrine neoplasia, type 1 (MEN1). Also called: MEN I; WERMER SYNDROME; Endocrine adenomatosis multiple; MEN 1; MEA I. Identifiers: Orphanet 652, MedGen C0025267, MeSH D018761, MONDO:0007540, OMIM 131100.

Allele frequency attached by ClinVar (database versions not stated): gnomAD exomes below 0.00001; ExAC 0.00001.
gnomAD v4.1: 6 of 1,613,626 alleles (0.00037%); highest among the groups gnomAD compares: Non-Finnish European, 0.00051%; no homozygotes.

Submissions (2):

Ambry Genetics
Classification: Uncertain significance for Hereditary cancer-predisposing syndrome. Last evaluated: 2025-08-21. Review status: criteria provided, single submitter. Criteria: Ambry Variant Classification Scheme 2023. Collection method: clinical testing. Allele origin: germline.
Comment: The p.T292I variant (also known as c.875C>T), located in coding exon 5 of the MEN1 gene, results from a C to T substitution at nucleotide position 875. The threonine at codon 292 is replaced by isoleucine, an amino acid with similar properties. This amino acid position is well conserved in available vertebrate species. In addition, the in silico prediction for this alteration is inconclusive. Based on the available evidence, the clinical significance of this variant remains unclear.

Labcorp Genetics (formerly Invitae), Labcorp
Classification: Uncertain significance for Multiple endocrine neoplasia, type 1. Last evaluated: 2023-09-05. Review status: criteria provided, single submitter. Criteria: Invitae Variant Classification Sherloc (09022015). Collection method: clinical testing. Allele origin: germline.
Comment: Advanced modeling of protein sequence and biophysical properties (such as structural, functional, and spatial information, amino acid conservation, physicochemical variation, residue mobility, and thermodynamic stability) performed at Invitae indicates that this missense variant is expected to disrupt MEN1 protein function. ClinVar contains an entry for this variant (Variation ID: 853328). This variant has not been reported in the literature in individuals affected with MEN1-related conditions. This variant is present in population databases (rs780646691, gnomAD 0.0009%). This sequence change replaces threonine, which is neutral and polar, with isoleucine, which is neutral and non-polar, at codon 292 of the MEN1 protein (p.Thr292Ile). In summary, the available evidence is currently insufficient to determine the role of this variant in disease. Therefore, it has been classified as a Variant of Uncertain Significance.